The following is an entry in ClinVar:

ClinVar aggregate classification (germline): Uncertain significance (1 of 4 stars; one submission).

Conditions:
Intellectual developmental disorder, autosomal dominant 1. Also called: MBD5 Haploinsufficiency; Intellectual disability, autosomal dominant 1. Identifiers: Orphanet 228402, MedGen C1969562, MONDO:0007974, OMIM 156200.

Allele frequency attached by ClinVar (database versions not stated): gnomAD 0.00001; ExAC 0.00002; TOPMed 0.00002.
gnomAD v4.1: 1 of 1,613,876 alleles (0.000062%); highest among the groups gnomAD compares: East Asian, 0.0022%; no homozygotes.

Submission:

Labcorp Genetics (formerly Invitae), Labcorp
Classification: Uncertain significance for Intellectual developmental disorder, autosomal dominant 1. Last evaluated: 2024-04-02. Review status: criteria provided, single submitter. Criteria: Invitae Variant Classification Sherloc (09022015). Collection method: clinical testing. Allele origin: germline.
Comment: This sequence change replaces glutamine, which is neutral and polar, with arginine, which is basic and polar, at codon 672 of the MBD5 protein (p.Gln672Arg). This variant is present in population databases (rs746388328, gnomAD 0.006%). This variant has not been reported in the literature in individuals affected with MBD5-related conditions. Advanced modeling of protein sequence and biophysical properties (such as structural, functional, and spatial information, amino acid conservation, physicochemical variation, residue mobility, and thermodynamic stability) performed at Invitae indicates that this missense variant is not expected to disrupt MBD5 protein function with a negative predictive value of 80%. In summary, the available evidence is currently insufficient to determine the role of this variant in disease. Therefore, it has been classified as a Variant of Uncertain Significance.

NM_001378120.1(MBD5):c.2015A>G (p.Gln672Arg)

Gene: MBD5 (methyl-CpG binding domain protein 5; plus strand). Cytogenetic location: 2q23.1.
Variant type: single nucleotide variant.
Coding change: c.2015A>G on transcript NM_001378120.1 (MANE Select); coding-DNA position 2015, A replaced by G.
Protein change: p.Gln672Arg; replaces glutamine 672 with arginine.
Molecular consequence: missense variant.
Genome position (GRCh38, 1-based): chr2:148,469,958, A>G. VCF-style: chr2-148469958-A-G. GRCh37 (hg19) VCF-style: chr2-149227527-A-G.
Other names: c.2015A>G, p.Gln672Arg (NM_018328.5); short protein forms Q672R.
Identifiers: ClinVar variation 3008664 (VCV003008664.3), dbSNP rs746388328, ClinGen allele CA1900089.